The following is an entry in ClinVar:

NM_017777.4(MKS1):c.128C>G (p.Pro43Arg)

Gene: MKS1 (MKS transition zone complex subunit 1; minus strand). Cytogenetic location: 17q22.
Variant type: single nucleotide variant.
Coding change: c.128C>G on transcript NM_017777.4 (MANE Select); coding-DNA position 128, C replaced by G.
Protein change: p.Pro43Arg; replaces proline 43 with arginine.
Molecular consequence: missense variant. On other transcripts: 5 prime UTR variant (1).
Genome position (GRCh38, 1-based): chr17:58,218,682, G>C on the plus strand (C>G on the coding strand, the complement: MKS1 is on the minus strand). VCF-style: chr17-58218682-G-C. GRCh37 (hg19) VCF-style: chr17-56296043-G-C.
Other names: c.-384C>G (NM_001321268.2); c.128C>G, p.Pro43Arg (NM_001321269.2, NM_001330397.2); short protein forms P43R.
Identifiers: ClinVar variation 461762 (VCV000461762.10), dbSNP rs1311306088, ClinGen allele CA400327985.

ClinVar aggregate classification (germline): Uncertain significance. Review status: criteria provided, multiple submitters, no conflicts (2 of 4 stars). 4 submissions from 4 submitters: Uncertain significance (3). 1 of the submissions does not count toward it. Last evaluated 2025-12-08.

Conditions:
Meckel syndrome, type 1 (MKS1). Also called: MECKEL-GRUBER SYNDROME, TYPE 1. Identifiers: Orphanet 564, MedGen C3714506, MONDO:0009571, OMIM 249000.
Joubert syndrome 28 (JBTS28). Identifiers: MedGen C4310705, MONDO:0014928, OMIM 617121.
Bardet-Biedl syndrome 13 (BBS13). Identifiers: Orphanet 110, MedGen C2673873, MONDO:0014441, OMIM 615990.
MKS1-related disorder. Also called: MKS1-related disorders; MKS1-related condition. Identifiers: MedGen CN239382.
Meckel-Gruber syndrome. Also called: GRUBER SYNDROME; Dysencephalia splachnocystica; DYSENCEPHALIA SPLANCHNOCYSTICA. Identifiers: Orphanet 564, MedGen C0265215, MONDO:0018921.
Joubert syndrome. Also called: JOUBERT-BOLTSHAUSER SYNDROME; Familial aplasia of the vermis. Identifiers: Orphanet 475, MedGen C5979921, MONDO:0018772.

Allele frequency attached by ClinVar (database versions not stated): TOPMed 0.00001.

Submissions (4):

Labcorp Genetics (formerly Invitae), Labcorp
Classification: Uncertain significance for Joubert syndrome; Meckel-Gruber syndrome. Last evaluated: 2025-12-08. Review status: criteria provided, single submitter. Criteria: Invitae Variant Classification Sherloc (09022015). Collection method: clinical testing. Allele origin: germline.
Comment: This sequence change replaces proline, which is neutral and non-polar, with arginine, which is basic and polar, at codon 43 of the MKS1 protein (p.Pro43Arg). This variant is not present in population databases (gnomAD no frequency). This variant has not been reported in the literature in individuals affected with MKS1-related conditions. ClinVar contains an entry for this variant (Variation ID: 461762). Invitae Evidence Modeling of protein sequence and biophysical properties (such as structural, functional, and spatial information, amino acid conservation, physicochemical variation, residue mobility, and thermodynamic stability) indicates that this missense variant is not expected to disrupt MKS1 protein function with a negative predictive value of 80%. In summary, the available evidence is currently insufficient to determine the role of this variant in disease. Therefore, it has been classified as a Variant of Uncertain Significance.

PreventionGenetics, part of Exact Sciences
Classification: Uncertain significance for MKS1-related condition. Last evaluated: 2025-04-24. Review status: criteria provided, single submitter. Criteria: ACMG Guidelines, 2015. Collection method: clinical testing. Allele origin: germline.
Comment: The MKS1 c.128C>G variant is predicted to result in the amino acid substitution p.Pro43Arg. To our knowledge, this variant has not been reported in the literature or in a large population database (gnomAD), indicating this variant is rare. At this time, the clinical significance of this variant is uncertain due to the absence of conclusive functional and genetic evidence.

Fulgent Genetics
Classification: Uncertain significance for Meckel syndrome, type 1; Bardet-Biedl syndrome 13; Joubert syndrome 28. Last evaluated: 2024-04-28. Review status: criteria provided, single submitter. Criteria: ACMG Guidelines, 2015. Collection method: clinical testing. Allele origin: germline.

Natera, Inc.
Classification: Uncertain significance for Meckel syndrome type 1. Last evaluated: 2020-07-26. Review status: no assertion criteria provided. Collection method: clinical testing. Allele origin: germline. Not counted in ClinVar's aggregate classification.